The following is an entry in ClinVar:

ClinVar aggregate classification (germline): Uncertain significance. Review status: criteria provided, multiple submitters, no conflicts (2 of 4 stars). 2 submissions from 2 submitters: Uncertain significance (2). Last evaluated 2023-11-02.

Conditions:
FG syndrome (FGS). Identifiers: MedGen C0220769, MONDO:0002010.

Submissions (2):

Revvity Omics, Revvity
Classification: Uncertain significance. Last evaluated: 2023-11-02. Review status: criteria provided, single submitter. Criteria: ACMG Guidelines, 2015. Collection method: clinical testing. Allele origin: germline.

Labcorp Genetics (formerly Invitae), Labcorp
Classification: Uncertain significance for FG syndrome. Last evaluated: 2021-07-08. Review status: criteria provided, single submitter. Criteria: Invitae Variant Classification Sherloc (09022015). Collection method: clinical testing. Allele origin: germline.
Comment: This sequence change replaces arginine with cysteine at codon 1912 of the MED12 protein (p.Arg1912Cys). The arginine residue is highly conserved and there is a large physicochemical difference between arginine and cysteine. This variant is not present in population databases (ExAC no frequency). This variant has not been reported in the literature in individuals affected with MED12-related conditions. Advanced modeling of protein sequence and biophysical properties (such as structural, functional, and spatial information, amino acid conservation, physicochemical variation, residue mobility, and thermodynamic stability) performed at Invitae indicates that this missense variant is expected to disrupt MED12 protein function. In summary, the available evidence is currently insufficient to determine the role of this variant in disease. Therefore, it has been classified as a Variant of Uncertain Significance.

NM_005120.3(MED12):c.5734C>T (p.Arg1912Cys)

Gene: MED12 (mediator complex subunit 12; plus strand). Cytogenetic location: Xq13.1.
Variant type: single nucleotide variant.
Coding change: c.5734C>T on transcript NM_005120.3 (MANE Select); coding-DNA position 5734, C replaced by T.
Protein change: p.Arg1912Cys; replaces arginine 1912 with cysteine.
Molecular consequence: missense variant.
Genome position (GRCh38, 1-based): chrX:71,137,369, C>T. VCF-style: chrX-71137369-C-T. GRCh37 (hg19) VCF-style: chrX-70357219-C-T.
Other names: short protein forms R1912C.
Identifiers: ClinVar variation 1506434 (VCV001506434.10), dbSNP rs2147829625, ClinGen allele CA413537625.
Genomic context (GRCh38, chrX:71,137,369, plus strand): 5'-TCTTATAAGACCTCTGTGTACCGGCAGCAGCAACCTGCGGTGCCCCAAGGACAGCGCCTT[C>T]GCCAACAGCTCCAGGCAAAGATAGTGAGAGGGGCAGTAGGGAGGGCTGTCAGGGAGAGGG-3'
Protein context (NP_005111.2, residues 1902-1922): QPAVPQGQRL[Arg1912Cys]QQLQQSQGML